The following is an entry in ClinVar:

ClinVar aggregate classification (germline): Uncertain significance (1 of 4 stars; one submission).

Conditions:
Cardiovascular phenotype. Identifiers: MedGen CN230736.

Submission:

Ambry Genetics
Classification: Uncertain significance for Cardiovascular phenotype. Last evaluated: 2026-07-21. Review status: criteria provided, single submitter. Criteria: Ambry Variant Classification Scheme 2023. Collection method: clinical testing. Allele origin: germline.
Comment: The p.K854R variant (also known as c.2561A>G), located in coding exon 20 of the DMD gene, results from an A to G substitution at nucleotide position 2561. The lysine at codon 854 is replaced by arginine, an amino acid with highly similar properties. This amino acid position is conserved. In addition, this alteration is predicted to be tolerated by in silico analysis. Based on the available evidence, the clinical significance of this variant remains unclear.

NM_004006.3(DMD):c.2561A>G (p.Lys854Arg)

Gene: DMD (dystrophin; minus strand). Cytogenetic location: Xp21.1.
Variant type: single nucleotide variant.
Coding change: c.2561A>G on transcript NM_004006.3 (MANE Select); coding-DNA position 2561, A replaced by G.
Protein change: p.Lys854Arg; replaces lysine 854 with arginine.
Molecular consequence: missense variant.
Genome position (GRCh38, 1-based): chrX:32,491,338, T>C on the plus strand (A>G on the coding strand, the complement: DMD is on the minus strand). VCF-style: chrX-32491338-T-C. GRCh37 (hg19) VCF-style: chrX-32509455-T-C.
Other names: c.2537A>G, p.Lys846Arg (NM_000109.4); c.2549A>G, p.Lys850Arg (NM_004009.3); c.2192A>G, p.Lys731Arg (NM_004010.3); short protein forms K846R, K854R, K731R, K850R.
Identifiers: ClinVar variation 5035392 (VCV005035392.1).
Genomic context (GRCh38, chrX:32,491,338, plus strand): 5'-TTACAAATTTTTAACTGACTTTTAATTGCTGTTGGCTCTGATGGGGTGGTGGGTTGGATT[T>C]TCAACCAGTTTTCAGCAGTAGTTGTCATCTGCTCCAATTGTTGTAGCTGATTATAGAAAG-3'
Protein context (NP_003997.2, residues 844-864): QMTTTAENWL[Lys854Arg]IQPTTPSEPT